The following is an entry in ClinVar:

ClinVar aggregate classification (germline): Likely pathogenic (3 of 4 stars; one submission).

Conditions:
Very long chain acyl-CoA dehydrogenase deficiency (ACADVLD). Also called: VLCAD Deficiency; Very Long-Chain Acyl-Coenzyme A Dehydrogenase Deficiency. Identifiers: Orphanet 26793, MedGen C3887523, MONDO:0008723, OMIM 201475.

Submission:

ClinGen ACADVL Variant Curation Expert Panel, ClinGen
Classification: Likely pathogenic for Very long chain acyl-CoA dehydrogenase deficiency. Last evaluated: 2023-02-13. Review status: reviewed by expert panel. Criteria: clingen acadvl acmg specifications v1. Collection method: curation. Allele origin: germline. Inheritance: Autosomal recessive inheritance.
Comment: The c.335dup (p.Phe113LeufsTer11) variant in ACADVL is a frameshift variant predicted to cause a premature stop codon in biologically-relevant-exon 5/20 leading to nonsense mediated decay in a gene in which loss-of-function is an established disease mechanism (PVS1; PMIDs 9973285, 11590124). The variant, to our knowledge, is not reported in the medical literature. This variant is absent from gnomAD v2.1.1 (PM2_Supporting). The ACADVL Variant Curation Expert Panel VCEP classified the variant as likely pathogenic based on PVS1+PM2_supporting (ACADVL VCEP specifications version 1; approved November 8, 2021).

NM_000018.4(ACADVL):c.335dup (p.Phe113fs)

Gene: ACADVL (acyl-CoA dehydrogenase very long chain; plus strand). Cytogenetic location: 17p13.1.
Variant type: Duplication.
Coding change: c.335dup on transcript NM_000018.4 (MANE Select); coding-DNA position 335, one base duplicated (T; older notation c.335dupT).
Protein change: p.Phe113fs; shifts the reading frame from phenylalanine 113.
Molecular consequence: frameshift variant.
Genome position (GRCh38, 1-based): chr17:7,220,823, T duplicated; the last of 3 consecutive T bases (chr17:7,220,821-7,220,823); duplicating any one gives the same sequence. VCF-style (leftmost placement, unchanged base first): chr17-7220820-G-GT. GRCh37 (hg19) VCF-style: chr17-7124139-G-GT.
Other names: NM_001270448.2:c.107dup; c.269dup, p.Phe91fs (NM_001033859.3); c.404dup, p.Phe136fs (NM_001270447.2); c.107dup, p.Phe37fs (NM_001270448.2); short protein forms F136fs, F113fs, F37fs, F91fs.
Identifiers: ClinVar variation 2446888 (VCV002446888.1), dbSNP rs764028320, ClinGen allele CA913187307.
Genomic context (GRCh38, chr17:7,220,820, plus strand): 5'-CTGCAGTGCTCAACGAAGAGCAGACACAGTTTCTTAAAGAGCTGGTGGAGCCTGTGTCCC[G>GT]TTTCTTCGAGGTAAGGAATGACTCGGGGCTTGGTCCCTGGTGAGGTGTTTGGAGATGTTA-3'